The following is an entry in ClinVar:

NM_012330.4(KAT6B):c.3240GGAAGAAGAGGA[1] (p.Glu1086_Glu1089del)

Gene: KAT6B (lysine acetyltransferase 6B; plus strand). Cytogenetic location: 10q22.2.
Variant type: Microsatellite.
Coding change: c.3240GGAAGAAGAGGA[1] on transcript NM_012330.4 (MANE Select); one copy of the 12-base unit GGAAGAAGAGGA starting at c.3240; the reference has two copies in a row; one copy, 12 bases deleted; also written c.3252_3263del.
Protein change: p.Glu1086_Glu1089del.
Molecular consequence: inframe deletion.
Genome position (GRCh38, 1-based): chr10:75,022,111-75,022,122, GGAAGAAGAGGA deleted; deleting any 12 consecutive bases within chr10:75,022,094-75,022,122 gives the same sequence; the position shown is the placement nearest the transcript's 3' end. VCF-style (leftmost placement, unchanged base first): chr10-75022093-GGAGGAGGAAGAA-G. GRCh37 (hg19) VCF-style: chr10-76781851-GGAGGAGGAAGAA-G.
Other names: c.3252_3263del (NM_012330.3); c.2691GGAAGAAGAGGA[1], p.Glu903_Glu906del (NM_001256468.2, NM_001370138.1); c.2364GGAAGAAGAGGA[1], p.Glu794_Glu797del (NM_001256469.2, NM_001370139.1, NM_001370140.1 and 2 more transcripts); c.2202GGAAGAAGAGGA[1], p.Glu740_Glu743del (NM_001370132.1); c.1551GGAAGAAGAGGA[1], p.Glu523_Glu526del (NM_001370133.1); c.1155GGAAGAAGAGGA[1], p.Glu391_Glu394del (NM_001370134.1); c.897GGAAGAAGAGGA[1], p.Glu305_Glu308del (NM_001370135.1); c.3240GGAAGAAGAGGA[1], p.Glu1086_Glu1089del (NM_001370136.1, NM_001370137.1); and 2 more.
Identifiers: ClinVar variation 260237 (VCV000260237.52), dbSNP rs201769534, ClinGen allele CA5564758.

ClinVar aggregate classification (germline): Benign/Likely benign. Review status: criteria provided, multiple submitters, no conflicts (2 of 4 stars). 7 submissions from 7 submitters: Benign (5); Likely benign (1). 1 of the submissions does not count toward it. Last evaluated 2026-09-01.

Conditions:
Genitopatellar syndrome (GTPTS). Also called: Genitopatellar syndrome (GPS); ABSENT PATELLAE, SCROTAL HYPOPLASIA, RENAL ANOMALIES, FACIAL DYSMORPHISM, AND MENTAL RETARDATION. Identifiers: Orphanet 85201, MedGen C1853566, MONDO:0011640, OMIM 606170.
Intellectual disability. Also called: intellectual disabilities; Intellectual functioning disability; Intellectual developmental disorder. Identifiers: MedGen C3714756, MeSH D008607, MONDO:0001071, HP:0001249.

Submissions (7):

CeGaT Center for Human Genetics Tuebingen
Classification: Benign. Last evaluated: 2026-09-01. Review status: criteria provided, single submitter. Criteria: CeGaT Center For Human Genetics Tuebingen Variant Classification Criteria Version 2. Collection method: clinical testing. Allele origin: germline. Affected: yes. Observed: 44 variant alleles.
Comment: KAT6B: BS1, BS2

Labcorp Genetics (formerly Invitae), Labcorp
Classification: Benign for Genitopatellar syndrome. Last evaluated: 2026-02-03. Review status: criteria provided, single submitter. Criteria: Invitae Variant Classification Sherloc (09022015). Collection method: clinical testing. Allele origin: germline.

GeneDx
Classification: Likely benign. Last evaluated: 2020-09-29. Review status: criteria provided, single submitter. Criteria: GeneDx Variant Classification Process June 2021. Collection method: clinical testing. Allele origin: germline. Affected: yes.

Laboratory for Molecular Medicine, Mass General Brigham Personalized Medicine
Classification: Benign. Last evaluated: 2020-01-29. Review status: criteria provided, single submitter. Criteria: LMM Criteria. Collection method: clinical testing. Allele origin: germline. Observed: 1 variant allele.
Comment: The p.Glu1086_Glu1089del variant in KAT6B is classified as benign because it has been identified in 1.2% (237/19782) of East Asian chromosomes by gnomAD. ACMG/AMP Criteria applied: BA1.

Center for Pediatric Genomic Medicine, Children's Mercy Hospital and Clinics
Classification: Benign. Last evaluated: 2016-05-03. Review status: criteria provided, single submitter. Criteria: ACMG Guidelines, 2015. Collection method: clinical testing. Allele origin: germline.

PreventionGenetics, part of Exact Sciences
Classification: Benign. Review status: criteria provided, single submitter. Criteria: ACMG Guidelines, 2015. Collection method: clinical testing. Allele origin: germline.

Centre de Biologie Pathologie Génétique, Centre Hospitalier Universitaire de Lille
Classification: Likely benign for Intellectual disability. Last evaluated: 2019-01-01. Review status: no assertion criteria provided. Collection method: clinical testing. Allele origin: inherited. Affected: yes. Not counted in ClinVar's aggregate classification.